The following is an entry in ClinVar:

ClinVar aggregate classification (germline): Likely benign. Review status: criteria provided, single submitter (1 of 4 stars). 2 submissions from 2 submitters: Likely benign (1). 1 of the submissions does not count toward it. Last evaluated 2022-08-22.

Conditions:
UGT1A1-related disorder. Also called: UGT1A1-related condition; UGT1A1-related disorders.

Allele frequency attached by ClinVar (database versions not stated): gnomAD exomes below 0.00001 and 0.00002; gnomAD 0.00001; TOPMed 0.00001; ExAC 0.00002.
gnomAD v4.1: 8 of 1,614,064 alleles (0.0005%); highest among the groups gnomAD compares: African/African-American, 0.0027%; no homozygotes.

Submissions (2):

Labcorp Genetics (formerly Invitae), Labcorp
Classification: Likely benign. Last evaluated: 2022-08-22. Review status: criteria provided, single submitter. Criteria: Invitae Variant Classification Sherloc (09022015). Collection method: clinical testing. Allele origin: germline.

PreventionGenetics, part of Exact Sciences
Classification: Likely benign for UGT1A1-related condition. Last evaluated: 2020-05-11. Review status: no assertion criteria provided. Collection method: clinical testing. Allele origin: germline. Not counted in ClinVar's aggregate classification.
Comment: This variant is classified as likely benign based on ACMG/AMP sequence variant interpretation guidelines (Richards et al. 2015 PMID: 25741868, with internal and published modifications).

NM_000463.3(UGT1A1):c.1155C>T (p.Gly385=)

Genes: UGT1A4 (UDP glucuronosyltransferase family 1 member A4; plus strand), UGT1A6 (UDP glucuronosyltransferase family 1 member A6; plus strand), UGT1A7 (UDP glucuronosyltransferase family 1 member A7; plus strand), UGT1A8 (UDP glucuronosyltransferase family 1 member A8; plus strand), UGT1A9 (UDP glucuronosyltransferase family 1 member A9; plus strand) and 5 more. Cytogenetic location: 2q37.1.
Variant type: single nucleotide variant.
Coding change: c.1155C>T on transcript NM_000463.3 (MANE Select); coding-DNA position 1155, C replaced by T.
Protein change: p.Gly385=; no amino-acid change (glycine 385 retained).
Molecular consequence: synonymous variant.
Genome position (GRCh38, 1-based): chr2:233,768,290, C>T. VCF-style: chr2-233768290-C-T. GRCh37 (hg19) VCF-style: chr2-234676936-C-T.
Other names: c.1146C>T, p.Gly382= (NM_019075.4, NM_019076.5, NM_019077.3 and 1 more transcripts); c.1152C>T, p.Gly384= (NM_001072.4); c.351C>T, p.Gly117= (NM_205862.3); c.1158C>T, p.Gly386= (NM_019078.2, NM_007120.3, NM_019093.4).
Identifiers: ClinVar variation 1490279 (VCV001490279.10), dbSNP rs765390164, ClinGen allele CA2180019.